The following is an entry in ClinVar:

ClinVar aggregate classification (germline): Uncertain significance (1 of 4 stars; one submission).

Conditions:
Hereditary breast ovarian cancer syndrome. Also called: Hereditary breast and ovarian cancer; Hereditary breast and ovarian cancer syndrome; Breast and ovarian cancer; BRCA1- and BRCA2-Associated Hereditary Breast and Ovarian Cancer; Hereditary breast and/or ovarian cancer syndrome; Hereditary breast and ovarian cancer syndrome (HBOC). Identifiers: Orphanet 145, MedGen C0677776, MeSH D061325, MONDO:0003582. Disease mechanism: loss of function.

Submission:

Labcorp Genetics (formerly Invitae), Labcorp
Classification: Uncertain significance for Hereditary breast ovarian cancer syndrome. Last evaluated: 2021-04-23. Review status: criteria provided, single submitter. Criteria: Invitae Variant Classification Sherloc (09022015). Collection method: clinical testing. Allele origin: germline.
Comment: In summary, the available evidence is currently insufficient to determine the role of this variant in disease. Therefore, it has been classified as a Variant of Uncertain Significance. Advanced modeling of protein sequence and biophysical properties (such as structural, functional, and spatial information, amino acid conservation, physicochemical variation, residue mobility, and thermodynamic stability) performed at Invitae indicates that this missense variant is not expected to disrupt BRCA2 protein function. This variant has not been reported in the literature in individuals with BRCA2-related conditions. This variant is not present in population databases (ExAC no frequency). This sequence change replaces leucine with tryptophan at codon 164 of the BRCA2 protein (p.Leu164Trp). The leucine residue is moderately conserved and there is a small physicochemical difference between leucine and tryptophan.

NM_000059.4(BRCA2):c.491T>G (p.Leu164Trp)

Gene: BRCA2 (BRCA2 DNA repair associated; plus strand). Cytogenetic location: 13q13.1.
Variant type: single nucleotide variant.
Coding change: c.491T>G on transcript NM_000059.4 (MANE Select); coding-DNA position 491, T replaced by G.
Protein change: p.Leu164Trp; replaces leucine 164 with tryptophan.
Molecular consequence: missense variant.
Genome position (GRCh38, 1-based): chr13:32,326,257, T>G. VCF-style: chr13-32326257-T-G. GRCh37 (hg19) VCF-style: chr13-32900394-T-G.
Other names: short protein forms L164W.
Identifiers: ClinVar variation 1441627 (VCV001441627.8), dbSNP rs80358717, ClinGen allele CA387757663.